The following is an entry in ClinVar:

ClinVar aggregate classification (germline): Pathogenic. Review status: criteria provided, multiple submitters, no conflicts (2 of 4 stars). 2 submissions from 2 submitters: Pathogenic (2). Last evaluated 2021-10-02.

Conditions:
AHDC1-related intellectual disability - obstructive sleep apnea - mild dysmorphism syndrome. Also called: Xia-Gibbs syndrome. Identifiers: Orphanet 412069, MedGen C4014419, MONDO:0014358, OMIM 615829.

Submissions (2):

3billion
Classification: Pathogenic for AHDC1-related intellectual disability - obstructive sleep apnea - mild dysmorphism syndrome. Last evaluated: 2021-10-02. Review status: criteria provided, single submitter. Criteria: ACMG Guidelines, 2015. Collection method: clinical testing. Allele origin: germline. Affected: yes. Observed: 1 heterozygote.
Comment: Frameshift: predicted to result in a loss or disruption of normal protein function through protein truncation. Multiple pathogenic variants are reported in the predicted truncated region (PVS1_S). The variant was observed as assumed (i.e. paternity and maternity not confirmed) de novoo (3billion dataset, PM6). It is not observed in the gnomAD v2.1.1 dataset (PM2). Patient's phenotype is considered compatible with Xia-Gibbs syndrome (3billion dataset, PP4). Therefore, this variant is classified as pathogenic according to the recommendation of ACMG/AMP guideline.

Laboratory of Human Genetics, Universidade de São Paulo
Classification: Pathogenic for AHDC1-related intellectual disability - obstructive sleep apnea - mild dysmorphism syndrome. Last evaluated: 2021-08-10. Review status: criteria provided, single submitter. Criteria: ACMG Guidelines, 2015. Collection method: clinical testing. Allele origin: germline. Inheritance: Autosomal dominant inheritance. Affected: yes. Observed: 1 heterozygote.
Comment: PVS1, PP5, PM2

NM_001371928.1(AHDC1):c.1481_1482del (p.Lys494fs)

Gene: AHDC1 (AT-hook DNA binding motif containing 1; minus strand). Cytogenetic location: 1p36.11.
Variant type: Deletion.
Coding change: c.1481_1482del on transcript NM_001371928.1 (MANE Select); coding-DNA positions 1481 to 1482, 2 bases deleted (AA; older notation c.1481_1482delAA).
Protein change: p.Lys494fs; shifts the reading frame from lysine 494.
Molecular consequence: frameshift variant.
Genome position (GRCh38, 1-based): chr1:27,550,634-27,550,635, TT deleted on the plus strand (AA on the coding strand, the reverse complement: AHDC1 is on the minus strand); deleting any 2 consecutive bases within chr1:27,550,634-27,550,636 gives the same sequence; the c. name uses the placement nearest the transcript's 3' end. VCF-style (leftmost placement, unchanged base first): chr1-27550633-CTT-C. GRCh37 (hg19) VCF-style: chr1-27877144-CTT-C.
Other names: p.Lys494SerfsTer22; c.1481_1482del, p.Lys494fs (NM_001029882.3); short protein forms K494fs.
Identifiers: ClinVar variation 1320043 (VCV001320043.3), dbSNP rs2148285877, ClinGen allele CA2573051554.
Genomic context (GRCh38, chr1:27,550,633, plus strand): 5'-CCGACACGCGCAGGCCCAGCTCCTTGCCCTCCACGCTCAGGCTGCTGCTCAAGGAAGACA[CTT>C]TGTATGTGGTCTTGTTCCGCCGCCCCAGCGATACGGGGATCTTGGCCATCTTCACCACCA-3'